The following is an entry in ClinVar:

NM_016341.4(PLCE1):c.5780A>G (p.His1927Arg)

Gene: PLCE1 (phospholipase C epsilon 1; plus strand). Cytogenetic location: 10q23.33.
Variant type: single nucleotide variant.
Coding change: c.5780A>G on transcript NM_016341.4 (MANE Select); coding-DNA position 5780, A replaced by G.
Protein change: p.His1927Arg; replaces histidine 1927 with arginine.
Molecular consequence: missense variant.
Genome position (GRCh38, 1-based): chr10:94,306,584, A>G. VCF-style: chr10-94306584-A-G. GRCh37 (hg19) VCF-style: chr10-96066341-A-G.
Other names: c.4856A>G, p.His1619Arg (NM_001165979.2); c.5732A>G, p.His1911Arg (NM_001288989.2); short protein forms H1927R, H1619R, H1911R.
Identifiers: ClinVar variation 260728 (VCV000260728.26), dbSNP rs2274223, ClinGen allele CA5613420.
Genomic context (GRCh38, chr10:94,306,584, plus strand): 5'-GCACAAAGCCCATCCATCGAAACACCCTGAACCCCATGTGGAACGAGCAGTTTCTGTTCC[A>G]CGTTCACTTCGAAGATCTTGTATTTCTTCGTTTTGCAGTTGTGGAAAACAATAGTTCAGC-3'
Protein context (NP_057425.3, residues 1917-1937): NPMWNEQFLF[His1927Arg]VHFEDLVFLR

ClinVar aggregate classification (germline): Benign. Review status: criteria provided, multiple submitters, no conflicts (2 of 4 stars). 13 submissions from 13 submitters: Benign (11). 2 of the submissions do not count toward it. Last evaluated 2026-02-01.

Conditions:
Nephrotic syndrome, type 3 (NPHS3). Also called: NEPHROTIC SYNDROME, EARLY-ONSET, TYPE 3. Identifiers: Orphanet 656, MedGen C1853124, MONDO:0012546, OMIM 610725.
Focal segmental glomerulosclerosis (FSGS). Also called: Glomerulosclerosis, focal; Focal sclerosis with hyalinosis. Identifiers: MedGen C0017668, MONDO:0100313, HP:0000097. Disease mechanism: loss of function.

Allele frequency attached by ClinVar (database versions not stated): gnomAD exomes 0.28168; ExAC 0.28456; 1000 Genomes Project 0.29852; 1000 Genomes Project 30x 0.30278; gnomAD 0.30998 and 0.31202; TOPMed 0.31302; ESP Exome Variant Server 0.31859.
gnomAD v4.1: 484,110 of 1,613,668 alleles (30%); highest among the groups gnomAD compares: Middle Eastern, 44%; 74,193 homozygotes.

Submissions (13):

Labcorp Genetics (formerly Invitae), Labcorp
Classification: Benign. Last evaluated: 2026-02-01. Review status: criteria provided, single submitter. Criteria: Invitae Variant Classification Sherloc (09022015). Collection method: clinical testing. Allele origin: germline.

Blueprint Genetics
Classification: Benign. Last evaluated: 2024-11-27. Review status: criteria provided, single submitter. Criteria: ACMG Guidelines, 2015. Collection method: clinical testing. Allele origin: germline.

Unidad de Genómica Garrahan, Hospital de Pediatría Garrahan
Classification: Benign. Last evaluated: 2024-07-15. Review status: criteria provided, single submitter. Criteria: ACMG Guidelines, 2015. Collection method: clinical testing. Allele origin: germline. Affected: no. Observed: 33 variant alleles.
Comment: This variant is classified as Benign based on local population frequency. This variant was detected in 35% of patients studied in a panel designed for Epileptic and Developmental Encephalopathy and Progressive Myoclonus Epilepsy. Number of patients: 33. Only high quality variants are reported.

Mayo Clinic Laboratories, Mayo Clinic
Classification: Benign. Last evaluated: 2022-11-16. Review status: criteria provided, single submitter. Criteria: ACMG Guidelines, 2015. Collection method: clinical testing. Allele origin: germline. Observed: 63 variant alleles.
Comment: BA1, BP4

Genome Diagnostics Laboratory, The Hospital for Sick Children
Classification: Benign for Focal segmental glomerulosclerosis. Last evaluated: 2022-09-27. Review status: criteria provided, single submitter. Criteria: ACMG Guidelines, 2015. Collection method: clinical testing. Allele origin: germline.

Genome-Nilou Lab
Classification: Benign for Nephrotic syndrome, type 3. Last evaluated: 2021-10-25. Review status: criteria provided, single submitter. Criteria: ACMG Guidelines, 2015. Collection method: clinical testing. Allele origin: germline. Affected: no.

GeneDx
Classification: Benign. Last evaluated: 2018-11-12. Review status: criteria provided, single submitter. Criteria: GeneDx Variant Classification Process June 2021. Collection method: clinical testing. Allele origin: germline. Affected: yes.
Comment: This variant is associated with the following publications: (PMID: 24116107, 25139097, 22203178, 20729852, 23826241, 22412849, 20729853, 24127316, 23688607)

Illumina Laboratory Services, Illumina
Classification: Benign for Nephrotic syndrome, type 3. Last evaluated: 2018-03-06. Review status: criteria provided, single submitter. Criteria: ICSL Variant Classification Criteria 13 December 2019. Collection method: clinical testing. Allele origin: germline.
Comment: This variant was observed in the ICSL laboratory as part of a predisposition screen in an ostensibly healthy population. It had not been previously curated by ICSL or reported in the Human Gene Mutation Database (HGMD: prior to June 1st, 2018), and was therefore a candidate for classification through an automated scoring system. Utilizing variant allele frequency, disease prevalence and penetrance estimates, and inheritance mode, an automated score was calculated to assess if this variant is too frequent to cause the disease. Based on the score and internal cut-off values, a variant classified as benign is not then subjected to further curation. The score for this variant resulted in a classification of benign for this disease.

Genome Diagnostics Laboratory, University Medical Center Utrecht
Classification: Benign for Nephrotic syndrome, type 3. Last evaluated: 2014-10-09. Review status: criteria provided, single submitter. Criteria: ACGS Guidelines, 2013. Collection method: clinical testing. Allele origin: germline. Affected: yes. Study: VKGL Data-share Consensus.

Breakthrough Genomics
Classification: Benign. Review status: criteria provided, single submitter. Criteria: ACMG Guidelines, 2015. Collection method: not provided. Allele origin: germline. Inheritance: Autosomal recessive inheritance. Affected: yes.

PreventionGenetics, part of Exact Sciences
Classification: Benign. Review status: criteria provided, single submitter. Criteria: ACMG Guidelines, 2015. Collection method: clinical testing. Allele origin: germline.

Diagnostic Laboratory, Department of Genetics, University Medical Center Groningen
Classification: Benign for Nephrotic syndrome, type 3. Review status: no assertion criteria provided. Collection method: clinical testing. Allele origin: germline. Affected: yes. Study: VKGL Data-share Consensus. Not counted in ClinVar's aggregate classification.

Joint Genome Diagnostic Labs from Nijmegen and Maastricht, Radboudumc and MUMC+
Classification: Benign. Review status: no assertion criteria provided. Collection method: clinical testing. Allele origin: germline. Affected: yes. Study: VKGL Data-share Consensus. Not counted in ClinVar's aggregate classification.